The following is an entry in ClinVar:

ClinVar aggregate classification (germline): Uncertain significance (1 of 4 stars; one submission).

Allele frequency attached by ClinVar (database versions not stated): TOPMed 0.00002.
gnomAD v4.1: 17 of 1,112,160 alleles (0.0015%); highest among the groups gnomAD compares: Admixed American, 0.02%; no homozygotes.

Submission:

Labcorp Genetics (formerly Invitae), Labcorp
Classification: Uncertain significance. Last evaluated: 2023-11-29. Review status: criteria provided, single submitter. Criteria: Invitae Variant Classification Sherloc (09022015). Collection method: clinical testing. Allele origin: germline.
Comment: This sequence change falls in intron 5 of the FRMD7 gene. It does not directly change the encoded amino acid sequence of the FRMD7 protein. It affects a nucleotide within the consensus splice site. This variant is present in population databases (rs774876451, gnomAD 0.03%), including at least one homozygous and/or hemizygous individual. This variant has not been reported in the literature in individuals affected with FRMD7-related conditions. ClinVar contains an entry for this variant (Variation ID: 838194). Variants that disrupt the consensus splice site are a relatively common cause of aberrant splicing (PMID: 17576681, 9536098). Algorithms developed to predict the effect of sequence changes on RNA splicing suggest that this variant may disrupt the consensus splice site. In summary, the available evidence is currently insufficient to determine the role of this variant in disease. Therefore, it has been classified as a Variant of Uncertain Significance.

Literature cited by the submitters: PubMed 17576681; PubMed 9536098.

NM_194277.3(FRMD7):c.383-3C>A

Gene: FRMD7 (FERM domain containing 7; minus strand). Cytogenetic location: Xq26.2.
Variant type: single nucleotide variant.
Coding change: c.383-3C>A on transcript NM_194277.3 (MANE Select); 3 bases into the intron before coding-DNA position 383, C replaced by A.
Molecular consequence: intron variant.
Genome position (GRCh38, 1-based): chrX:132,086,037, G>T on the plus strand (C>A on the coding strand, the complement: FRMD7 is on the minus strand). VCF-style: chrX-132086037-G-T. GRCh37 (hg19) VCF-style: chrX-131220065-G-T.
Other names: c.338-3C>A (NM_001306193.2).
Identifiers: ClinVar variation 838194 (VCV000838194.11), dbSNP rs774876451, ClinGen allele CA10519053.